The following is an entry in ClinVar:

ClinVar aggregate classification (germline): Uncertain significance (1 of 4 stars; one submission).

Submission:

Labcorp Genetics (formerly Invitae), Labcorp
Classification: Uncertain significance. Last evaluated: 2022-01-13. Review status: criteria provided, single submitter. Criteria: Invitae Variant Classification Sherloc (09022015). Collection method: clinical testing. Allele origin: germline.
Comment: This sequence change replaces leucine, which is neutral and non-polar, with glutamine, which is neutral and polar, at codon 248 of the CAPN5 protein (p.Leu248Gln). This variant is not present in population databases (gnomAD no frequency). This variant has not been reported in the literature in individuals affected with CAPN5-related conditions. Algorithms developed to predict the effect of missense changes on protein structure and function are either unavailable or do not agree on the potential impact of this missense change (SIFT: "Deleterious"; PolyPhen-2: "Probably Damaging"; Align-GVGD: "Class C0"). Algorithms developed to predict the effect of sequence changes on RNA splicing suggest that this variant may create or strengthen a splice site. In summary, the available evidence is currently insufficient to determine the role of this variant in disease. Therefore, it has been classified as a Variant of Uncertain Significance.

NM_004055.5(CAPN5):c.743T>A (p.Leu248Gln)

Gene: CAPN5 (calpain 5; plus strand). Cytogenetic location: 11q13.5.
Variant type: single nucleotide variant.
Coding change: c.743T>A on transcript NM_004055.5 (MANE Select); coding-DNA position 743, T replaced by A.
Protein change: p.Leu248Gln; replaces leucine 248 with glutamine.
Molecular consequence: missense variant.
Genome position (GRCh38, 1-based): chr11:77,115,438, T>A. VCF-style: chr11-77115438-T-A. GRCh37 (hg19) VCF-style: chr11-76826484-T-A.
Other names: short protein forms L248Q.
Identifiers: ClinVar variation 1502014 (VCV001502014.6), dbSNP rs2135479130, ClinGen allele CA381938732.